The following is an entry in ClinVar:

NM_000868.4(HTR2C):c.1340C>T (p.Pro447Leu)

Genes: HTR2C (5-hydroxytryptamine receptor 2C; plus strand), LOC126863306 (MED14-independent group 3 enhancer GRCh37_chrX:114140926-114142125; plus strand). Cytogenetic location: Xq23.
Variant type: single nucleotide variant.
Coding change: c.1340C>T on transcript NM_000868.4 (MANE Select); coding-DNA position 1340, C replaced by T.
Protein change: p.Pro447Leu; replaces proline 447 with leucine.
Molecular consequence: missense variant. On other transcripts: 3 prime UTR variant (1).
Genome position (GRCh38, 1-based): chrX:114,907,378, C>T. VCF-style: chrX-114907378-C-T. GRCh37 (hg19) VCF-style: chrX-114141941-C-T.
Other names: c.1340C>T (NM_000868.3); c.1340C>T, p.Pro447Leu (NM_001256760.3); c.*498C>T (NM_001256761.3); short protein forms P447L.
Identifiers: ClinVar variation 4272854 (VCV004272854.2).
Genomic context (GRCh38, chrX:114,907,378, plus strand): 5'-CCAGTGACAATGAGCCCGGTATAGAGATGCAAGTTGAGAATTTAGAGTTACCAGTAAATC[C>T]CTCCAGTGTGGTTAGCGAAAGGATTAGCAGTGTGTGAGAAAGAACAGCACAGTCTTTTCC-3'
Protein context (NP_000859.2, residues 437-457): QVENLELPVN[Pro447Leu]SSVVSERISS

ClinVar aggregate classification (germline): Uncertain significance. Review status: criteria provided, multiple submitters, no conflicts (2 of 4 stars). 2 submissions from 2 submitters: Uncertain significance (2). Last evaluated 2025-07-18.

Conditions:
HTR2C-related disorder. Also called: HTR2C-related condition.

Submissions (2):

Ambry Genetics
Classification: Uncertain significance. Last evaluated: 2025-07-18. Review status: criteria provided, single submitter. Criteria: Ambry Variant Classification Scheme 2023. Collection method: clinical testing. Allele origin: germline.

PreventionGenetics, part of Exact Sciences
Classification: Uncertain significance for HTR2C-related condition. Last evaluated: 2025-06-17. Review status: criteria provided, single submitter. Criteria: ACMG Guidelines, 2015. Collection method: clinical testing. Allele origin: germline.
Comment: The HTR2C c.1340C>T variant is predicted to result in the amino acid substitution p.Pro447Leu. To our knowledge, this variant has not been reported in the literature or in a large population database (gnomAD), indicating this variant is rare. At this time, the clinical significance of this variant is uncertain due to the absence of conclusive functional and genetic evidence.